The following is an entry in ClinVar:

ClinVar aggregate classification (germline): Uncertain significance (1 of 4 stars; one submission).

Conditions:
Methylmalonic aciduria, cblA type (MACA). Also called: Vitamin B12-responsive methylmalonic acidemia type cblA; Methylmalonic aciduria, vitamin b12-responsive, due to defect in synthesis of adenosylcobalamin, cbla complementation type; MMA cbl A type; Methylmalonic acidemia cblA type; Methylmalonic aciduria, vitamin B12-responsive. Identifiers: Orphanet 28, Orphanet 79310, MedGen C1855109, MONDO:0009613, OMIM 251100.

Allele frequency attached by ClinVar (database versions not stated): gnomAD exomes below 0.00001.

Submission:

Labcorp Genetics (formerly Invitae), Labcorp
Classification: Uncertain significance for Methylmalonic aciduria, cblA type. Last evaluated: 2023-10-17. Review status: criteria provided, single submitter. Criteria: Invitae Variant Classification Sherloc (09022015). Collection method: clinical testing. Allele origin: germline.
Comment: This sequence change replaces leucine, which is neutral and non-polar, with serine, which is neutral and polar, at codon 200 of the MMAA protein (p.Leu200Ser). This variant is not present in population databases (gnomAD no frequency). This missense change has been observed in individual(s) with clinical features of methylmalonic aciduria cobalamin A type (Invitae). In at least one individual the data is consistent with being in trans (on the opposite chromosome) from a pathogenic variant. Advanced modeling of protein sequence and biophysical properties (such as structural, functional, and spatial information, amino acid conservation, physicochemical variation, residue mobility, and thermodynamic stability) performed at Invitae indicates that this missense variant is expected to disrupt MMAA protein function. In summary, the available evidence is currently insufficient to determine the role of this variant in disease. Therefore, it has been classified as a Variant of Uncertain Significance.

NM_172250.3(MMAA):c.599T>C (p.Leu200Ser)

Gene: MMAA (metabolism of cobalamin associated A; plus strand). Cytogenetic location: 4q31.21.
Variant type: single nucleotide variant.
Coding change: c.599T>C on transcript NM_172250.3 (MANE Select); coding-DNA position 599, T replaced by C.
Protein change: p.Leu200Ser; replaces leucine 200 with serine.
Molecular consequence: missense variant.
Genome position (GRCh38, 1-based): chr4:145,646,022, T>C. VCF-style: chr4-145646022-T-C. GRCh37 (hg19) VCF-style: chr4-146567174-T-C.
Other names: c.599T>C, p.Leu200Ser (NM_001375644.1); short protein forms L200S.
Identifiers: ClinVar variation 2759861 (VCV002759861.3), dbSNP rs2546339440, ClinGen allele CA358355717.